The following is an entry in ClinVar:

NM_001367624.2(ZNF469):c.11215C>T (p.Arg3739Cys)

Gene: ZNF469 (zinc finger protein 469; plus strand). Cytogenetic location: 16q24.2.
Variant type: single nucleotide variant.
Coding change: c.11215C>T on transcript NM_001367624.2 (MANE Select); coding-DNA position 11215, C replaced by T.
Protein change: p.Arg3739Cys; replaces arginine 3739 with cysteine.
Molecular consequence: missense variant.
Genome position (GRCh38, 1-based): chr16:88,438,685, C>T. VCF-style: chr16-88438685-C-T. GRCh37 (hg19) VCF-style: chr16-88505093-C-T.
Other names: NM_001127464.1:c.11131C>T; short protein forms R3739C.
Identifiers: ClinVar variation 1795527 (VCV001795527.5), dbSNP rs1277494437, ClinGen allele CA397129401.

ClinVar aggregate classification (germline): Uncertain significance. Review status: criteria provided, multiple submitters, no conflicts (2 of 4 stars). 2 submissions from 2 submitters: Uncertain significance (2). Last evaluated 2025-06-01.

Conditions:
Cardiovascular phenotype. Identifiers: MedGen CN230736.

Allele frequency attached by ClinVar (database versions not stated): gnomAD exomes 0.00003; gnomAD 0.00001; TOPMed 0.00001.
gnomAD v4.1: 46 of 1,549,904 alleles (0.003%); highest among the groups gnomAD compares: East Asian, 0.0098%; no homozygotes.

Submissions (2):

Ambry Genetics
Classification: Uncertain significance for Cardiovascular phenotype. Last evaluated: 2025-06-01. Review status: criteria provided, single submitter. Criteria: Ambry Variant Classification Scheme 2023. Collection method: clinical testing. Allele origin: germline.
Comment: The p.R3711C variant (also known as c.11131C>T), located in coding exon 2 of the ZNF469 gene, results from a C to T substitution at nucleotide position 11131. The arginine at codon 3711 is replaced by cysteine, an amino acid with highly dissimilar properties. This amino acid position is conserved. In addition, this alteration is predicted to be tolerated by in silico analysis. Since supporting evidence is limited at this time, the clinical significance of this alteration remains unclear.

Labcorp Genetics (formerly Invitae), Labcorp
Classification: Uncertain significance. Last evaluated: 2022-02-20. Review status: criteria provided, single submitter. Criteria: Invitae Variant Classification Sherloc (09022015). Collection method: clinical testing. Allele origin: germline.
Comment: This sequence change replaces arginine, which is basic and polar, with cysteine, which is neutral and slightly polar, at codon 3711 of the ZNF469 protein (p.Arg3711Cys). This variant is present in population databases (no rsID available, gnomAD 0.02%). This variant has not been reported in the literature in individuals affected with ZNF469-related conditions. Algorithms developed to predict the effect of missense changes on protein structure and function output the following: SIFT: "Tolerated"; PolyPhen-2: "Benign"; Align-GVGD: "Class C0". The cysteine amino acid residue is found in multiple mammalian species, which suggests that this missense change does not adversely affect protein function. In summary, the available evidence is currently insufficient to determine the role of this variant in disease. Therefore, it has been classified as a Variant of Uncertain Significance.